The following is an entry in ClinVar:

NM_052867.4(NALCN):c.2914A>G (p.Met972Val)

Gene: NALCN (sodium leak channel, non-selective; minus strand). Cytogenetic location: 13q33.1.
Variant type: single nucleotide variant.
Coding change: c.2914A>G on transcript NM_052867.4 (MANE Select); coding-DNA position 2914, A replaced by G.
Protein change: p.Met972Val; replaces methionine 972 with valine.
Molecular consequence: missense variant.
Genome position (GRCh38, 1-based): chr13:101,103,315, T>C on the plus strand (A>G on the coding strand, the complement: NALCN is on the minus strand). VCF-style: chr13-101103315-T-C. GRCh37 (hg19) VCF-style: chr13-101755666-T-C.
Other names: c.3001A>G, p.Met1001Val (NM_001350748.2); c.2914A>G, p.Met972Val (NM_001350749.2); c.2827A>G, p.Met943Val (NM_001350750.2, NM_001350751.2); short protein forms M943V, M1001V, M972V.
Identifiers: ClinVar variation 4696861 (VCV004696861.1).

ClinVar aggregate classification (germline): Uncertain significance (1 of 4 stars; one submission).

gnomAD v4.1: 2 of 1,612,246 alleles (0.00012%); highest among the groups gnomAD compares: Non-Finnish European, 0.00017%; no homozygotes.

Submission:

Labcorp Genetics (formerly Invitae), Labcorp
Classification: Uncertain significance. Last evaluated: 2025-12-27. Review status: criteria provided, single submitter. Criteria: Invitae Variant Classification Sherloc (09022015). Collection method: clinical testing. Allele origin: germline.
Comment: This sequence change replaces methionine, which is neutral and non-polar, with valine, which is neutral and non-polar, at codon 972 of the NALCN protein (p.Met972Val). This variant is not present in population databases (gnomAD no frequency). This variant has not been reported in the literature in individuals affected with NALCN-related conditions. Invitae Evidence Modeling of protein sequence and biophysical properties (such as structural, functional, and spatial information, amino acid conservation, physicochemical variation, residue mobility, and thermodynamic stability) has been performed for this missense variant. However, the output from this modeling did not meet the statistical confidence thresholds required to predict the impact of this variant on NALCN protein function. In summary, the available evidence is currently insufficient to determine the role of this variant in disease. Therefore, it has been classified as a Variant of Uncertain Significance.